The following is an entry in ClinVar:

NM_032217.5(ANKRD17):c.4037T>C (p.Ile1346Thr)

Gene: ANKRD17 (ankyrin repeat domain 17; minus strand). Cytogenetic location: 4q13.3.
Variant type: single nucleotide variant.
Coding change: c.4037T>C on transcript NM_032217.5 (MANE Select); coding-DNA position 4037, T replaced by C.
Protein change: p.Ile1346Thr; replaces isoleucine 1346 with threonine.
Molecular consequence: missense variant.
Genome position (GRCh38, 1-based): chr4:73,118,839, A>G on the plus strand (T>C on the coding strand, the complement: ANKRD17 is on the minus strand). VCF-style: chr4-73118839-A-G. GRCh37 (hg19) VCF-style: chr4-73984556-A-G.
Other names: c.3698T>C, p.Ile1233Thr (NM_001286771.3); c.4034T>C, p.Ile1345Thr (NM_015574.2); c.3284T>C, p.Ile1095Thr (NM_198889.3); short protein forms I1095T, I1233T, I1345T, I1346T.
Identifiers: ClinVar variation 2635052 (VCV002635052.1), dbSNP rs779750024, ClinGen allele CA2958390.

ClinVar aggregate classification (germline): Uncertain significance (1 of 4 stars; one submission).

Conditions:
ANKRD17-related disorder. Also called: ANKRD17-related condition.

Allele frequency attached by ClinVar (database versions not stated): gnomAD exomes below 0.00001; ExAC 0.00001; gnomAD 0.00001; TOPMed 0.00001.
gnomAD v4.1: 6 of 1,610,350 alleles (0.00037%); highest among the groups gnomAD compares: African/African-American, 0.0041%; no homozygotes.

Submission:

PreventionGenetics, part of Exact Sciences
Classification: Uncertain significance for ANKRD17-related condition. Last evaluated: 2023-05-23. Review status: criteria provided, single submitter. Criteria: ACMG Guidelines, 2015. Collection method: clinical testing. Allele origin: germline.
Comment: The ANKRD17 c.4037T>C variant is predicted to result in the amino acid substitution p.Ile1346Thr. To our knowledge, this variant has not been reported in the literature. This variant is reported in 0.0062% of alleles in individuals of African descent in gnomAD. At this time, the clinical significance of this variant is uncertain due to the absence of conclusive functional and genetic evidence.